The following is an entry in ClinVar:

NM_002299.4(LCT):c.4421T>C (p.Val1474Ala)

Gene: LCT (lactase; minus strand). Cytogenetic location: 2q21.3.
Variant type: single nucleotide variant.
Coding change: c.4421T>C on transcript NM_002299.4 (MANE Select); coding-DNA position 4421, T replaced by C.
Protein change: p.Val1474Ala; replaces valine 1474 with alanine.
Molecular consequence: missense variant.
Genome position (GRCh38, 1-based): chr2:135,804,810, A>G on the plus strand (T>C on the coding strand, the complement: LCT is on the minus strand). VCF-style: chr2-135804810-A-G. GRCh37 (hg19) VCF-style: chr2-136562380-A-G.
Other names: short protein forms V1474A.
Identifiers: ClinVar variation 1492003 (VCV001492003.4), dbSNP rs1437955174, ClinGen allele CA348595745.
Genomic context (GRCh38, chr2:135,804,810, plus strand): 5'-GCCAGGACCCACCATACCTGGGGCTGGATGCTGGCGGCCAGCAGTGTATCGATGAGCCTC[A>G]CGTAGTAGTTCAGGCCCGCTTCATTGATGTACCTGGTGGTTCCATCAGGGAGGATGCGAG-3'
Protein context (NP_002290.2, residues 1464-1484): YINEAGLNYY[Val1474Ala]RLIDTLLAAS

ClinVar aggregate classification (germline): Uncertain significance (1 of 4 stars; one submission).

Allele frequency attached by ClinVar (database versions not stated): gnomAD exomes below 0.00001.
gnomAD v4.1: 77 of 1,613,622 alleles (0.0048%); highest among the groups gnomAD compares: Non-Finnish European, 0.0064%; no homozygotes.

Submission:

Labcorp Genetics (formerly Invitae), Labcorp
Classification: Uncertain significance. Last evaluated: 2021-08-09. Review status: criteria provided, single submitter. Criteria: Invitae Variant Classification Sherloc (09022015). Collection method: clinical testing. Allele origin: germline.
Comment: In summary, the available evidence is currently insufficient to determine the role of this variant in disease. Therefore, it has been classified as a Variant of Uncertain Significance. Algorithms developed to predict the effect of missense changes on protein structure and function are either unavailable or do not agree on the potential impact of this missense change (SIFT: "Not Available"; PolyPhen-2: "Benign"; Align-GVGD: "Not Available"). This variant has not been reported in the literature in individuals affected with LCT-related conditions. This variant is not present in population databases (ExAC no frequency). This sequence change replaces valine with alanine at codon 1474 of the LCT protein (p.Val1474Ala). The valine residue is weakly conserved and there is a small physicochemical difference between valine and alanine.